The following is an entry in ClinVar:

NM_000181.4(GUSB):c.1084G>A (p.Asp362Asn)

Gene: GUSB (glucuronidase beta; minus strand). Cytogenetic location: 7q11.21.
Variant type: single nucleotide variant.
Coding change: c.1084G>A on transcript NM_000181.4 (MANE Select); coding-DNA position 1084, G replaced by A.
Protein change: p.Asp362Asn; replaces aspartic acid 362 with asparagine.
Molecular consequence: missense variant. On other transcripts: non-coding transcript variant (1).
Genome position (GRCh38, 1-based): chr7:65,974,686, C>T on the plus strand (G>A on the coding strand, the complement: GUSB is on the minus strand). VCF-style: chr7-65974686-C-T. GRCh37 (hg19) VCF-style: chr7-65439673-C-T.
Other names: c.646G>A, p.Asp216Asn (NM_001284290.2); c.514G>A, p.Asp172Asn (NM_001293104.2); c.427G>A, p.Asp143Asn (NM_001293105.2); short protein forms D362N, D143N, D172N, D216N.
Identifiers: ClinVar variation 92584 (VCV000092584.13), dbSNP rs398123234, ClinGen allele CA220459.

ClinVar aggregate classification (germline): Conflicting classifications of pathogenicity. Review status: criteria provided, conflicting classifications (1 of 4 stars). 5 submissions from 5 submitters: Pathogenic (1); Likely pathogenic (2); Uncertain significance (2). Last evaluated 2024-05-20.

Conditions:
Mucopolysaccharidosis type 7 (MPS7). Also called: MPS VII; GUSB DEFICIENCY; SLY SYNDROME; BETA-GLUCURONIDASE DEFICIENCY. Identifiers: Orphanet 584, MedGen C0085132, MONDO:0009662, OMIM 253220.

Allele frequency attached by ClinVar (database versions not stated): gnomAD 0.00001; TOPMed 0.00001; gnomAD exomes 0.00001.
gnomAD v4.1: 26 of 1,613,084 alleles (0.0016%); highest among the groups gnomAD compares: Non-Finnish European, 0.0019%; no homozygotes.

Submissions (5):

Revvity Omics, Revvity
Classification: Uncertain significance for Mucopolysaccharidosis type 7. Last evaluated: 2024-05-20. Review status: criteria provided, single submitter. Criteria: ACMG Guidelines, 2015. Collection method: clinical testing. Allele origin: germline.

Fulgent Genetics
Classification: Likely pathogenic for Mucopolysaccharidosis type 7. Last evaluated: 2024-03-06. Review status: criteria provided, single submitter. Criteria: ACMG Guidelines, 2015. Collection method: clinical testing. Allele origin: germline.

Mayo Clinic Laboratories, Mayo Clinic
Classification: Uncertain significance. Last evaluated: 2023-08-15. Review status: criteria provided, single submitter. Criteria: ACMG Guidelines, 2015. Collection method: clinical testing. Allele origin: germline. Observed: 1 variant allele.
Comment: PP4, PM2_moderate

Women's Health and Genetics/Laboratory Corporation of America, LabCorp
Classification: Likely pathogenic for Mucopolysaccharidosis type 7. Last evaluated: 2023-02-02. Review status: criteria provided, single submitter. Criteria: LabCorp Variant Classification Summary - May 2015. Collection method: clinical testing. Allele origin: germline.
Comment: Variant summary: GUSB c.1084G>A (p.Asp362Asn) results in a conservative amino acid change located in the glycoside hydrolase family 2, catalytic domain (IPR006103) of the encoded protein sequence. Three of five in-silico tools predict a damaging effect of the variant on protein function. The variant allele was found at a frequency of 8e-06 in 251376 control chromosomes. The available data on variant occurrences in the general population are insufficient to allow any conclusion about variant significance. c.1084G>A has been reported in the literature in individuals affected with Mucopolysaccharidosis Type VII (Sly Syndrome) (e.g., Tomatsu_2009, Montano_2016, Al-Kouatly_2021). These data indicate that the variant is likely to be associated with disease. To our knowledge, no experimental evidence demonstrating an impact on protein function has been reported. No clinical diagnostic laboratories have submitted clinical-significance assessments for this variant to ClinVar after 2014. Based on the evidence outlined above, the variant was classified as likely pathogenic.

Eurofins Ntd Llc (ga)
Classification: Pathogenic. Last evaluated: 2013-06-26. Review status: criteria provided, single submitter. Criteria: EGL Classification Definitions. Collection method: clinical testing. Allele origin: germline. Observed: 2 variant alleles, 2 heterozygotes.

Literature cited by the submitters: PubMed 19224584 (cited by Mayo Clinic Laboratories, Mayo Clinic and Women's Health and Genetics/Laboratory Corporation of America, LabCorp); PubMed 26415878 (cited by Mayo Clinic Laboratories, Mayo Clinic and Women's Health and Genetics/Laboratory Corporation of America, LabCorp); PubMed 26908836 (cited by Mayo Clinic Laboratories, Mayo Clinic and Women's Health and Genetics/Laboratory Corporation of America, LabCorp); PubMed 33686258 (cited by Mayo Clinic Laboratories, Mayo Clinic and Women's Health and Genetics/Laboratory Corporation of America, LabCorp).